The following is an entry in ClinVar:

ClinVar aggregate classification (germline): Likely benign (0 of 4 stars; one submission).

Conditions:
RELN-related disorder. Also called: RELN-related condition.

Submission:

PreventionGenetics, part of Exact Sciences
Classification: Likely benign for RELN-related condition. Last evaluated: 2019-04-05. Review status: no assertion criteria provided. Collection method: clinical testing. Allele origin: germline.
Comment: This variant is classified as likely benign based on ACMG/AMP sequence variant interpretation guidelines (Richards et al. 2015 PMID: 25741868, with internal and published modifications).

NM_005045.4(RELN):c.2208T>C (p.Phe736=)

Gene: RELN (reelin; minus strand). Cytogenetic location: 7q22.1.
Variant type: single nucleotide variant.
Coding change: c.2208T>C on transcript NM_005045.4 (MANE Select); coding-DNA position 2208, T replaced by C.
Protein change: p.Phe736=; no amino-acid change (phenylalanine 736 retained).
Molecular consequence: synonymous variant.
Genome position (GRCh38, 1-based): chr7:103,636,330, A>G on the plus strand (T>C on the coding strand, the complement: RELN is on the minus strand). VCF-style: chr7-103636330-A-G. GRCh37 (hg19) VCF-style: chr7-103276777-A-G.
Other names: c.2208T>C, p.Phe736= (NM_173054.3).
Identifiers: ClinVar variation 3038070 (VCV003038070.2), dbSNP rs2484802687, ClinGen allele CA457198876.
Genomic context (GRCh38, chr7:103,636,330, plus strand): 5'-CTGACGCCGCCCATCTTTGTTGAAAACCAGGGCCTTACCACTGGCCAAGACACCACAACC[A>G]AAGCTGACTTCAGCACCACGGATAGAGTAAAAGTTATGGTAAGAGGAGAGCCTGGAACTG-3'
Protein context (NP_005036.2, residues 726-746): FYSIRGAEVS[Phe736=]GCGVLASGKA